The following is an entry in ClinVar:

ClinVar aggregate classification (germline): Uncertain significance. Review status: criteria provided, multiple submitters, no conflicts (2 of 4 stars). 2 submissions from 2 submitters: Uncertain significance (2). Last evaluated 2025-09-10.

Allele frequency attached by ClinVar (database versions not stated): gnomAD exomes 0.00001; gnomAD 0.00002; TOPMed 0.00002.
gnomAD v4.1: 15 of 1,613,910 alleles (0.00093%); highest among the groups gnomAD compares: East Asian, 0.0067%; no homozygotes.

Submissions (2):

Ambry Genetics
Classification: Uncertain significance. Last evaluated: 2025-09-10. Review status: criteria provided, single submitter. Criteria: Ambry Variant Classification Scheme 2023. Collection method: clinical testing. Allele origin: germline.

Labcorp Genetics (formerly Invitae), Labcorp
Classification: Uncertain significance. Last evaluated: 2024-03-11. Review status: criteria provided, single submitter. Criteria: Invitae Variant Classification Sherloc (09022015). Collection method: clinical testing. Allele origin: germline.
Comment: This sequence change replaces arginine, which is basic and polar, with tryptophan, which is neutral and slightly polar, at codon 140 of the SNIP1 protein (p.Arg140Trp). This variant is present in population databases (no rsID available, gnomAD 0.008%). This variant has not been reported in the literature in individuals affected with SNIP1-related conditions. Advanced modeling of protein sequence and biophysical properties (such as structural, functional, and spatial information, amino acid conservation, physicochemical variation, residue mobility, and thermodynamic stability) performed at Invitae indicates that this missense variant is not expected to disrupt SNIP1 protein function with a negative predictive value of 80%. In summary, the available evidence is currently insufficient to determine the role of this variant in disease. Therefore, it has been classified as a Variant of Uncertain Significance.

NM_024700.4(SNIP1):c.418C>T (p.Arg140Trp)

Genes: SNIP1 (Smad nuclear interacting protein 1; minus strand), LOC126805704 (BRD4-independent group 4 enhancer GRCh37_chr1:38005292-38006491; plus strand). Cytogenetic location: 1p34.3.
Variant type: single nucleotide variant.
Coding change: c.418C>T on transcript NM_024700.4 (MANE Select); coding-DNA position 418, C replaced by T.
Protein change: p.Arg140Trp; replaces arginine 140 with tryptophan.
Molecular consequence: missense variant.
Genome position (GRCh38, 1-based): chr1:37,540,665, G>A on the plus strand (C>T on the coding strand, the complement: SNIP1 is on the minus strand). VCF-style: chr1-37540665-G-A. GRCh37 (hg19) VCF-style: chr1-38006266-G-A.
Other names: c.418C>T (NM_024700.2); short protein forms R140W.
Identifiers: ClinVar variation 2724833 (VCV002724833.4), dbSNP rs1008679610, ClinGen allele CA20809151.